The following is an entry in ClinVar:

ClinVar aggregate classification (germline): Conflicting classifications of pathogenicity. Review status: criteria provided, conflicting classifications (1 of 4 stars). 5 submissions from 5 submitters: Uncertain significance (4); Likely benign (1). Last evaluated 2025-03-03.

Conditions:
Hereditary cancer-predisposing syndrome. Also called: Neoplastic Syndromes, Hereditary; Hereditary neoplastic syndrome; Tumor predisposition; Hereditary Cancer Syndrome. Identifiers: Orphanet 140162, MedGen C0027672, MeSH D009386, MONDO:0015356.
Hereditary breast ovarian cancer syndrome. Also called: Hereditary breast and ovarian cancer syndrome (HBOC); BRCA1- and BRCA2-Associated Hereditary Breast and Ovarian Cancer; Hereditary breast and/or ovarian cancer syndrome; Hereditary breast and ovarian cancer syndrome; Hereditary breast and ovarian cancer; Breast and ovarian cancer. Identifiers: Orphanet 145, MedGen C0677776, MeSH D061325, MONDO:0003582. Disease mechanism: loss of function.
Breast-ovarian cancer, familial, susceptibility to, 1 (BROVCA1). Also called: BRCA1 Hereditary Breast and Ovarian Cancer; OVARIAN CANCER, SUSCEPTIBILITY TO. Identifiers: Orphanet 145, MedGen C2676676, MONDO:0011450, OMIM 604370. Disease mechanism: loss of function.

Allele frequency attached by ClinVar (database versions not stated): gnomAD exomes below 0.00001.
gnomAD v4.1: 2 of 1,614,036 alleles (0.00012%); highest among the groups gnomAD compares: Non-Finnish European, 0.00017%; no homozygotes.

Submissions (5):

Ambry Genetics
Classification: Uncertain significance for Hereditary cancer-predisposing syndrome. Last evaluated: 2025-03-03. Review status: criteria provided, single submitter. Criteria: Ambry Variant Classification Scheme 2023. Collection method: clinical testing. Allele origin: germline.
Comment: The p.K501T variant (also known as c.1502A>C), located in coding exon 9 of the BRCA1 gene, results from an A to C substitution at nucleotide position 1502. The lysine at codon 501 is replaced by threonine, an amino acid with similar properties. This amino acid position is well conserved in available vertebrate species. In addition, the in silico prediction for this alteration is inconclusive. Based on the available evidence, the clinical significance of this variant remains unclear.

All of Us Research Program, National Institutes of Health
Classification: Uncertain significance for Breast-ovarian cancer, familial, susceptibility to, 1. Last evaluated: 2023-11-20. Review status: criteria provided, single submitter. Criteria: ACMG Guidelines, 2015. Collection method: clinical testing. Allele origin: germline. Inheritance: Autosomal dominant inheritance. Observed: 1 variant allele, 1 heterozygote.
Comment: This missense variant replaces lysine with threonine at codon 501 of the BRCA1 protein. Computational prediction is inconclusive regarding the impact of this variant on protein structure and function (internally defined REVEL score threshold 0.5 < inconclusive < 0.7, PMID: 27666373). To our knowledge, functional studies have not been reported for this variant. This variant has been detected in a breast cancer case-control meta-analysis in 3/60466 cases and 1/53461 unaffected individuals (PMID: 33471991; Leiden Open Variation Database DB-ID BRCA1_006505). This variant has not been identified in the general population by the Genome Aggregation Database (gnomAD). The available evidence is insufficient to determine the role of this variant in disease conclusively. Therefore, this variant is classified as a Variant of Uncertain Significance.

This study involves interpretation of variants in research participants for the purpose of population health screening. Participant phenotype was not available at the time of variant classification. Additional details can be found in publication PMID: 35346344, PMCID: PMC8962531

University of Washington Department of Laboratory Medicine, University of Washington
Classification: Likely benign for Hereditary cancer-predisposing syndrome. Last evaluated: 2023-03-23. Review status: criteria provided, single submitter. Criteria: Dines et al. (Genet Med. 2020). Collection method: curation. Allele origin: germline.
Comment: Missense variant in a coldspot region where missense variants are very unlikely to be pathogenic (PMID:31911673).

BRCA1 coldspot (exon 11 using historical exon numbering). Reclassification based on statistical prior probability

Labcorp Genetics (formerly Invitae), Labcorp
Classification: Uncertain significance for Hereditary breast ovarian cancer syndrome. Last evaluated: 2021-10-15. Review status: criteria provided, single submitter. Criteria: Invitae Variant Classification Sherloc (09022015). Collection method: clinical testing. Allele origin: germline.
Comment: This variant has not been reported in the literature in individuals affected with BRCA1-related conditions. This variant is not present in population databases (ExAC no frequency). This sequence change replaces lysine with threonine at codon 501 of the BRCA1 protein (p.Lys501Thr). The lysine residue is moderately conserved and there is a moderate physicochemical difference between lysine and threonine. ClinVar contains an entry for this variant (Variation ID: 438911). Advanced modeling of protein sequence and biophysical properties (such as structural, functional, and spatial information, amino acid conservation, physicochemical variation, residue mobility, and thermodynamic stability) performed at Invitae indicates that this missense variant is not expected to disrupt BRCA1 protein function. In summary, the available evidence is currently insufficient to determine the role of this variant in disease. Therefore, it has been classified as a Variant of Uncertain Significance.

Quest Diagnostics Nichols Institute San Juan Capistrano
Classification: Uncertain significance. Last evaluated: 2017-04-27. Review status: criteria provided, single submitter. Criteria: Quest Diagnostics criteria. Collection method: clinical testing. Allele origin: germline.

Literature cited by the submitters: PubMed 33471991 (cited by All of Us Research Program, National Institutes of Health).

NM_007294.4(BRCA1):c.1502A>C (p.Lys501Thr)

Gene: BRCA1 (BRCA1 DNA repair associated; minus strand). Cytogenetic location: 17q21.31.
Variant type: single nucleotide variant.
Coding change: c.1502A>C on transcript NM_007294.4 (MANE Select); coding-DNA position 1502, A replaced by C.
Protein change: p.Lys501Thr; replaces lysine 501 with threonine.
Molecular consequence: missense variant. On other transcripts: intron variant (137).
Genome position (GRCh38, 1-based): chr17:43,094,029, T>G on the plus strand (A>C on the coding strand, the complement: BRCA1 is on the minus strand). VCF-style: chr17-43094029-T-G. GRCh37 (hg19) VCF-style: chr17-41246046-T-G.
Other names: c.1502A>C, p.Lys501Thr (NM_001407617.1, NM_001407618.1, NM_001407619.1 and 30 more transcripts); c.1499A>C, p.Lys500Thr (NM_001407636.1, NM_001407637.1, NM_001407638.1 and 22 more transcripts); c.1493A>C, p.Lys498Thr (NM_001407646.1, NM_001407647.1); c.1424A>C, p.Lys475Thr (NM_001407658.1, NM_001407663.1, NM_001407653.1 and 4 more transcripts); c.1421A>C, p.Lys474Thr (NM_001407659.1, NM_001407660.1, NM_001407661.1 and 1 more transcripts); c.1379A>C, p.Lys460Thr (NM_001407664.1, NM_001407665.1, NM_001407666.1 and 19 more transcripts); c.1376A>C, p.Lys459Thr (NM_001407685.1, NM_001407686.1, NM_001407940.1 and 11 more transcripts); c.1361A>C, p.Lys454Thr (NM_001407697.1, NM_001407698.1, NM_001407724.1 and 29 more transcripts); and 40 more; short protein forms K501T, K454T, K333T, K431T, K498T, K205T, K373T, K390T.
Identifiers: ClinVar variation 438911 (VCV000438911.15), dbSNP rs113656989, ClinGen allele CA10599042.